The following is an entry in ClinVar:

ClinVar aggregate classification (germline): Uncertain significance. Review status: criteria provided, multiple submitters, no conflicts (2 of 4 stars). 2 submissions from 2 submitters: Uncertain significance (2). Last evaluated 2022-07-26.

Conditions:
Inborn genetic diseases. Identifiers: MedGen C0950123, MeSH D030342.
Leber congenital amaurosis 9 (LCA9). Also called: LCA9 Leber Congenital Amaurosis; LCA 9; Amaurosis congenita of Leber, type 9. Identifiers: Orphanet 65, MedGen C1837873, MONDO:0012056, OMIM 608553.

Allele frequency attached by ClinVar (database versions not stated): gnomAD 0.00001 and 0.00002; TOPMed 0.00001.
gnomAD v4.1: 3 of 1,601,910 alleles (0.00019%); highest among the groups gnomAD compares: South Asian, 0.0011%; no homozygotes.

Submissions (2):

Labcorp Genetics (formerly Invitae), Labcorp
Classification: Uncertain significance for Leber congenital amaurosis 9. Last evaluated: 2022-07-26. Review status: criteria provided, single submitter. Criteria: Invitae Variant Classification Sherloc (09022015). Collection method: clinical testing. Allele origin: germline.
Comment: In summary, the available evidence is currently insufficient to determine the role of this variant in disease. Therefore, it has been classified as a Variant of Uncertain Significance. Algorithms developed to predict the effect of missense changes on protein structure and function (SIFT, PolyPhen-2, Align-GVGD) all suggest that this variant is likely to be tolerated. ClinVar contains an entry for this variant (Variation ID: 1053665). This variant has not been reported in the literature in individuals affected with NMNAT1-related conditions. This variant is not present in population databases (gnomAD no frequency). This sequence change replaces lysine, which is basic and polar, with threonine, which is neutral and polar, at codon 278 of the NMNAT1 protein (p.Lys278Thr).

Ambry Genetics
Classification: Uncertain significance for Inborn genetic diseases. Last evaluated: 2022-05-09. Review status: criteria provided, single submitter. Criteria: Ambry Variant Classification Scheme 2023. Collection method: clinical testing. Allele origin: germline.

NM_022787.4(NMNAT1):c.833A>C (p.Lys278Thr)

Gene: NMNAT1 (nicotinamide nucleotide adenylyltransferase 1; plus strand). Cytogenetic location: 1p36.22.
Variant type: single nucleotide variant.
Coding change: c.833A>C on transcript NM_022787.4 (MANE Select); coding-DNA position 833, A replaced by C.
Protein change: p.Lys278Thr; replaces lysine 278 with threonine.
Molecular consequence: missense variant.
Genome position (GRCh38, 1-based): chr1:9,982,694, A>C. VCF-style: chr1-9982694-A-C. GRCh37 (hg19) VCF-style: chr1-10042752-A-C.
Other names: c.833A>C (NM_022787.3); c.833A>C, p.Lys278Thr (NM_001297778.1); short protein forms K278T.
Identifiers: ClinVar variation 1053665 (VCV001053665.6), dbSNP rs1033480343, ClinGen allele CA18240481.